The following is an entry in ClinVar:

NM_006031.6(PCNT):c.484A>G (p.Ser162Gly)

Gene: PCNT (pericentrin; plus strand). Cytogenetic location: 21q22.3.
Variant type: single nucleotide variant.
Coding change: c.484A>G on transcript NM_006031.6 (MANE Select); coding-DNA position 484, A replaced by G.
Protein change: p.Ser162Gly; replaces serine 162 with glycine.
Molecular consequence: missense variant.
Genome position (GRCh38, 1-based): chr21:46,334,613, A>G. VCF-style: chr21-46334613-A-G. GRCh37 (hg19) VCF-style: chr21-47754527-A-G.
Other names: c.130A>G, p.Ser44Gly (NM_001315529.2); short protein forms S162G, S44G.
Identifiers: ClinVar variation 436174 (VCV000436174.12), dbSNP rs755909353, ClinGen allele CA10078274.

ClinVar aggregate classification (germline): Uncertain significance. Review status: criteria provided, multiple submitters, no conflicts (2 of 4 stars). 4 submissions from 4 submitters: Uncertain significance (4). Last evaluated 2025-10-07.

Conditions:
PCNT-related disorder. Also called: PCNT-related condition.

Allele frequency attached by ClinVar (database versions not stated): gnomAD 0.00001; ExAC 0.00002; gnomAD exomes 0.00004.

Submissions (4):

Women's Health and Genetics/Laboratory Corporation of America, LabCorp
Classification: Uncertain significance. Last evaluated: 2025-10-07. Review status: criteria provided, single submitter. Criteria: LabCorp Variant Classification Summary - May 2015. Collection method: clinical testing. Allele origin: germline.
Comment: Variant summary: PCNT c.484A>G (p.Ser162Gly) results in a non-conservative amino acid change in the encoded protein sequence. Algorithms developed to predict the effect of missense changes on protein structure and function are either unavailable or do not agree on the potential impact of this missense change. The variant allele was found at a frequency of 3.6e-05 in 251370 control chromosomes (gnomAD). The available data on variant occurrences in the general population are insufficient to allow any conclusion about variant significance. c.484A>G has been observed in at least one individual who had clinical features Microcephalic Osteodysplastic Primordial Dwarfism Type II (Khan_2024). These data do not allow any conclusion about variant significance. To our knowledge, no experimental evidence demonstrating an impact on protein function has been reported. The following publication have been ascertained in the context of this evaluation (PMID: 38321911). ClinVar contains an entry for this variant (Variation ID: 436174). Based on the evidence outlined above, the variant was classified as uncertain significance.

PreventionGenetics, part of Exact Sciences
Classification: Uncertain significance for PCNT-related condition. Last evaluated: 2025-07-08. Review status: criteria provided, single submitter. Criteria: ACMG Guidelines, 2015. Collection method: clinical testing. Allele origin: germline.
Comment: The PCNT c.484A>G variant is predicted to result in the amino acid substitution p.Ser162Gly. To our knowledge, this variant has not been reported in the literature. This variant is reported in 0.023% of alleles in individuals of South Asian descent in gnomAD. At this time, the clinical significance of this variant is uncertain due to the absence of conclusive functional and genetic evidence.

Labcorp Genetics (formerly Invitae), Labcorp
Classification: Uncertain significance. Last evaluated: 2022-02-18. Review status: criteria provided, single submitter. Criteria: Invitae Variant Classification Sherloc (09022015). Collection method: clinical testing. Allele origin: germline.
Comment: This sequence change replaces serine, which is neutral and polar, with glycine, which is neutral and non-polar, at codon 162 of the PCNT protein (p.Ser162Gly). This variant is present in population databases (rs755909353, gnomAD 0.02%). This variant has not been reported in the literature in individuals affected with PCNT-related conditions. ClinVar contains an entry for this variant (Variation ID: 436174). Algorithms developed to predict the effect of missense changes on protein structure and function are either unavailable or do not agree on the potential impact of this missense change (SIFT: "Tolerated"; PolyPhen-2: "Possibly Damaging"; Align-GVGD: "Class C0"). In summary, the available evidence is currently insufficient to determine the role of this variant in disease. Therefore, it has been classified as a Variant of Uncertain Significance.

Genetic Services Laboratory, University of Chicago
Classification: Uncertain significance. Last evaluated: 2014-10-10. Review status: criteria provided, single submitter. Criteria: ACMG Guidelines, 2015. Collection method: clinical testing. Allele origin: germline. Affected: no.

Literature cited by the submitters: PubMed 38321911 (cited by Women's Health and Genetics/Laboratory Corporation of America, LabCorp).